The following is an entry in ClinVar:

NM_001048166.1(STIL):c.3156C>T (p.Ser1052=)

Gene: STIL (STIL centriolar assembly protein; minus strand). Cytogenetic location: 1p33.
Variant type: single nucleotide variant.
Coding change: c.3156C>T on transcript NM_001048166.1 (MANE Select); coding-DNA position 3156, C replaced by T.
Protein change: p.Ser1052=; no amino-acid change (serine 1052 retained).
Molecular consequence: synonymous variant.
Genome position (GRCh38, 1-based): chr1:47,251,847, G>A on the plus strand (C>T on the coding strand, the complement: STIL is on the minus strand). VCF-style: chr1-47251847-G-A. GRCh37 (hg19) VCF-style: chr1-47717519-G-A.
Other names: c.3153C>T, p.Ser1051= (NM_001282936.1, NM_003035.2); c.3102C>T, p.Ser1034= (NM_001282937.1); c.3015C>T, p.Ser1005= (NM_001282938.1); c.2961C>T, p.Ser987= (NM_001282939.1).
Identifiers: ClinVar variation 497987 (VCV000497987.43), dbSNP rs113337758, ClinGen allele CA842009.

ClinVar aggregate classification (germline): Conflicting classifications of pathogenicity. Review status: criteria provided, conflicting classifications (1 of 4 stars). 6 submissions from 6 submitters: Uncertain significance (1); Likely benign (5). Last evaluated 2025-10-21.

Conditions:
STIL-related disorder. Also called: STIL-related condition.

Allele frequency attached by ClinVar (database versions not stated): 1000 Genomes Project 30x 0.00016; 1000 Genomes Project 0.00020; ExAC 0.00021; gnomAD exomes 0.00021; TOPMed 0.00039; gnomAD 0.00042 and 0.00043; ESP Exome Variant Server 0.00046.
gnomAD v4.1: 337 of 1,607,536 alleles (0.021%); highest among the groups gnomAD compares: African/African-American, 0.1%; no homozygotes.

Submissions (6):

Labcorp Genetics (formerly Invitae), Labcorp
Classification: Likely benign. Last evaluated: 2025-10-21. Review status: criteria provided, single submitter. Criteria: Invitae Variant Classification Sherloc (09022015). Collection method: clinical testing. Allele origin: germline.

PreventionGenetics, part of Exact Sciences
Classification: Likely benign for STIL-related condition. Last evaluated: 2025-09-23. Review status: criteria provided, single submitter. Criteria: ACMG Guidelines, 2015. Collection method: clinical testing. Allele origin: germline.
Comment: This variant is classified as likely benign based on ACMG/AMP sequence variant interpretation guidelines (Richards et al. 2015 PMID: 25741868, with internal and published modifications).

Blueprint Genetics
Classification: Likely benign. Last evaluated: 2024-11-11. Review status: criteria provided, single submitter. Criteria: ACMG Guidelines, 2015. Collection method: clinical testing. Allele origin: germline.

CeGaT Center for Human Genetics Tuebingen
Classification: Likely benign. Last evaluated: 2023-04-01. Review status: criteria provided, single submitter. Criteria: CeGaT Center For Human Genetics Tuebingen Variant Classification Criteria Version 2. Collection method: clinical testing. Allele origin: germline. Affected: yes. Observed: 4 variant alleles.
Comment: STIL: BP4, BP7

GeneDx
Classification: Likely benign. Last evaluated: 2018-10-10. Review status: criteria provided, single submitter. Criteria: GeneDx Variant Classification Process June 2021. Collection method: clinical testing. Allele origin: germline. Affected: yes.

Eurofins Ntd Llc (ga)
Classification: Uncertain significance. Last evaluated: 2017-08-24. Review status: criteria provided, single submitter. Criteria: EGL Classification Definitions 2015. Collection method: clinical testing. Allele origin: germline. Observed: 3 variant alleles, 3 heterozygotes.